The following is an entry in ClinVar:

ClinVar aggregate classification (germline): Likely benign. Review status: criteria provided, multiple submitters, no conflicts (2 of 4 stars). 4 submissions from 4 submitters: Likely benign (4). Last evaluated 2025-03-21.

Conditions:
Juvenile polyposis syndrome (JPS). Identifiers: Orphanet 2929, MedGen C0345893, MONDO:0017380, OMIM 174900.
Hereditary cancer-predisposing syndrome. Also called: Neoplastic Syndromes, Hereditary; Hereditary Cancer Syndrome; Hereditary neoplastic syndrome; Tumor predisposition. Identifiers: Orphanet 140162, MedGen C0027672, MeSH D009386, MONDO:0015356.
Familial thoracic aortic aneurysm and aortic dissection (TAAD). Also called: Thoracic aortic aneurysms and dissections. Identifiers: Orphanet 91387, MedGen C4707243, MONDO:0019625.
Juvenile polyposis/hereditary hemorrhagic telangiectasia syndrome (JPHT). Also called: POLYPOSIS, GENERALIZED JUVENILE, WITH PULMONARY ARTERIOVENOUS MALFORMATION; TELANGIECTASIA, HEREDITARY HEMORRHAGIC, WITH JUVENILE POLYPOSIS COLI; Juvenile Polyposis Syndrome / Hereditary Hemorrhagic Telangiectasia (JPS/HHT); JP/HHT SYNDROME; JUVENILE POLYPOSIS WITH HEREDITARY HEMORRHAGIC TELANGIECTASIA. Identifiers: Orphanet 2929, MedGen C1832942, MONDO:0008278, OMIM 175050.

Submissions (4):

Myriad Genetics, Inc.
Classification: Likely benign for Juvenile polyposis/hereditary hemorrhagic telangiectasia syndrome. Last evaluated: 2025-03-21. Review status: criteria provided, single submitter. Criteria: Myriad Autosomal Dominant, Autosomal Recessive and X-Linked Classification Criteria (2023). Collection method: clinical testing. Allele origin: unknown.
Comment: This variant is considered likely benign. This variant is intronic and is not expected to impact mRNA splicing.

Ambry Genetics
Classification: Likely benign for Hereditary cancer-predisposing syndrome; Familial thoracic aortic aneurysm and aortic dissection. Last evaluated: 2022-04-20. Review status: criteria provided, single submitter. Criteria: Ambry Variant Classification Scheme 2023. Collection method: clinical testing. Allele origin: germline.

Labcorp Genetics (formerly Invitae), Labcorp
Classification: Likely benign for Juvenile polyposis syndrome. Last evaluated: 2021-07-15. Review status: criteria provided, single submitter. Criteria: Invitae Variant Classification Sherloc (09022015). Collection method: clinical testing. Allele origin: germline.

GeneDx
Classification: Likely benign. Last evaluated: 2015-11-06. Review status: criteria provided, single submitter. Criteria: GeneDx Variant Classification (06012015). Collection method: clinical testing. Allele origin: germline. Affected: yes.
Comment: This variant is considered likely benign or benign based on one or more of the following criteria: it is a conservative change, it occurs at a poorly conserved position in the protein, it is predicted to be benign by multiple in silico algorithms, and/or has population frequency not consistent with disease.

NM_005359.6(SMAD4):c.1140-4T>C

Gene: SMAD4 (SMAD family member 4; plus strand). Cytogenetic location: 18q21.2.
Variant type: single nucleotide variant.
Coding change: c.1140-4T>C on transcript NM_005359.6 (MANE Select); 4 bases into the intron before coding-DNA position 1140, T replaced by C.
Molecular consequence: intron variant.
Genome position (GRCh38, 1-based): chr18:51,067,015, T>C. VCF-style: chr18-51067015-T-C. GRCh37 (hg19) VCF-style: chr18-48593385-T-C.
Identifiers: ClinVar variation 381470 (VCV000381470.13), dbSNP rs1057521045, ClinGen allele CA16607994.